The following is an entry in ClinVar:

NM_000093.5(COL5A1):c.2209G>A (p.Ala737Thr)

Gene: COL5A1 (collagen type V alpha 1 chain; plus strand). Cytogenetic location: 9q34.3.
Variant type: single nucleotide variant.
Coding change: c.2209G>A on transcript NM_000093.5 (MANE Select); coding-DNA position 2209, G replaced by A.
Protein change: p.Ala737Thr; replaces alanine 737 with threonine.
Molecular consequence: missense variant.
Genome position (GRCh38, 1-based): chr9:134,767,331, G>A. VCF-style: chr9-134767331-G-A. GRCh37 (hg19) VCF-style: chr9-137659177-G-A.
Other names: c.2209G>A, p.Ala737Thr (NM_001278074.1); short protein forms A737T.
Identifiers: ClinVar variation 1488214 (VCV001488214.8), dbSNP rs2132729311, ClinGen allele CA375448902.

ClinVar aggregate classification (germline): Uncertain significance (1 of 4 stars; one submission).

Conditions:
Ehlers-Danlos syndrome, classic type, 1 (EDSCL1). Also called: EHLERS-DANLOS SYNDROME, GRAVIS TYPE; EHLERS-DANLOS SYNDROME, SEVERE CLASSIC TYPE; Ehlers-Danlos syndrome, type 1; Ehlers-Danlos Syndrome, Classic Type, COL5A1-Related; EDS I. Identifiers: MedGen C0268335, MONDO:0019567, OMIM 130000.

Allele frequency attached by ClinVar (database versions not stated): gnomAD exomes below 0.00001.
gnomAD v4.1: 3 of 1,614,084 alleles (0.00019%); highest among the groups gnomAD compares: Non-Finnish European, 0.00017%; no homozygotes.

Submission:

Labcorp Genetics (formerly Invitae), Labcorp
Classification: Uncertain significance for Ehlers-Danlos syndrome, classic type, 1. Last evaluated: 2022-02-20. Review status: criteria provided, single submitter. Criteria: Invitae Variant Classification Sherloc (09022015). Collection method: clinical testing. Allele origin: germline.
Comment: This variant is not present in population databases (gnomAD no frequency). This sequence change replaces alanine, which is neutral and non-polar, with threonine, which is neutral and polar, at codon 737 of the COL5A1 protein (p.Ala737Thr). This variant has not been reported in the literature in individuals affected with COL5A1-related conditions. Advanced modeling of protein sequence and biophysical properties (such as structural, functional, and spatial information, amino acid conservation, physicochemical variation, residue mobility, and thermodynamic stability) performed at Invitae indicates that this missense variant is not expected to disrupt COL5A1 protein function. In summary, the available evidence is currently insufficient to determine the role of this variant in disease. Therefore, it has been classified as a Variant of Uncertain Significance.